The following is an entry in ClinVar:

ClinVar aggregate classification (germline): Uncertain significance (1 of 4 stars; one submission).

Conditions:
Hereditary cancer-predisposing syndrome. Also called: Neoplastic Syndromes, Hereditary; Tumor predisposition; Hereditary neoplastic syndrome; Hereditary Cancer Syndrome. Identifiers: Orphanet 140162, MedGen C0027672, MeSH D009386, MONDO:0015356.

Submission:

Ambry Genetics
Classification: Uncertain significance for Hereditary cancer-predisposing syndrome. Last evaluated: 2026-07-02. Review status: criteria provided, single submitter. Criteria: Ambry Variant Classification Scheme 2023. Collection method: clinical testing. Allele origin: germline.
Comment: The p.K177R variant (also known as c.530A>G), located in coding exon 4 of the PALB2 gene, results from an A to G substitution at nucleotide position 530. The lysine at codon 177 is replaced by arginine, an amino acid with highly similar properties. This amino acid position is conserved. In addition, this alteration is predicted to be tolerated by in silico analysis. Based on the available evidence, the clinical significance of this variant remains unclear.

NM_024675.4(PALB2):c.530A>G (p.Lys177Arg)

Gene: PALB2 (partner and localizer of BRCA2; minus strand). Cytogenetic location: 16p12.2.
Variant type: single nucleotide variant.
Coding change: c.530A>G on transcript NM_024675.4 (MANE Select); coding-DNA position 530, A replaced by G.
Protein change: p.Lys177Arg; replaces lysine 177 with arginine.
Molecular consequence: missense variant. On other transcripts: 5 prime UTR variant (8), intron variant (3).
Genome position (GRCh38, 1-based): chr16:23,636,016, T>C on the plus strand (A>G on the coding strand, the complement: PALB2 is on the minus strand). VCF-style: chr16-23636016-T-C. GRCh37 (hg19) VCF-style: chr16-23647337-T-C.
Other names: c.470A>G, p.Lys157Arg (NM_001407296.1); c.530A>G, p.Lys177Arg (NM_001407297.1, NM_001407298.1, NM_001407299.1 and 3 more transcripts); c.-356A>G (NM_001407304.1, NM_001407305.1, NM_001407306.1 and 5 more transcripts); c.48+5094A>G (NM_001407314.1); c.-105+5094A>G (NM_001407313.1, NM_001407312.1); short protein forms K177R, K157R.
Identifiers: ClinVar variation 5026150 (VCV005026150.1).